The following is an entry in ClinVar:

ClinVar aggregate classification (germline): Benign/Likely benign. Review status: criteria provided, multiple submitters, no conflicts (2 of 4 stars). 4 submissions from 4 submitters: Benign (3); Likely benign (1). Last evaluated 2026-06-01.

Allele frequency attached by ClinVar (database versions not stated): 1000 Genomes Project 30x 0.00375; 1000 Genomes Project 0.00439; TOPMed 0.00442; gnomAD 0.00539 and 0.00550; gnomAD exomes 0.00580 and 0.00695; ExAC 0.00594; ESP Exome Variant Server 0.00626.
gnomAD v4.1: 10,858 of 1,612,742 alleles (0.67%); highest among the groups gnomAD compares: Non-Finnish European, 0.76%; 39 homozygotes.

Submissions (4):

CeGaT Center for Human Genetics Tuebingen
Classification: Likely benign. Last evaluated: 2026-06-01. Review status: criteria provided, single submitter. Criteria: CeGaT Center For Human Genetics Tuebingen Variant Classification Criteria Version 2. Collection method: clinical testing. Allele origin: germline. Affected: yes. Observed: 18 variant alleles.
Comment: MUC5B: BP4, BP7, BS2

Labcorp Genetics (formerly Invitae), Labcorp
Classification: Benign. Last evaluated: 2019-12-31. Review status: criteria provided, single submitter. Criteria: Invitae Variant Classification Sherloc (09022015). Collection method: clinical testing. Allele origin: germline.

Laboratory for Molecular Medicine, Mass General Brigham Personalized Medicine
Classification: Benign. Last evaluated: 2013-02-21. Review status: criteria provided, single submitter. Criteria: LMM Criteria. Collection method: clinical testing. Allele origin: germline. Observed: 1 variant allele.
Comment: Arg108Arg in exon 4 of MUC5B: This variant is not expected to have clinical sign ificance because it does not alter an amino acid residue and is not located with in the splice consensus sequence. It has been identified in 0.8% (70/8502) of Eu ropean American chromosomes from a broad population by the NHLBI Exome Sequencin g Project (dbSNP rs56168747).

Breakthrough Genomics
Classification: Benign. Review status: criteria provided, single submitter. Criteria: ACMG Guidelines, 2015. Collection method: not provided. Allele origin: germline. Inheritance: Autosomal dominant inheritance. Affected: yes.

NM_002458.3(MUC5B):c.324C>T (p.Arg108=)

Gene: MUC5B (mucin 5B, oligomeric mucus/gel-forming; plus strand). Cytogenetic location: 11p15.5.
Variant type: single nucleotide variant.
Coding change: c.324C>T on transcript NM_002458.3 (MANE Select); coding-DNA position 324, C replaced by T.
Protein change: p.Arg108=; no amino-acid change (arginine 108 retained).
Molecular consequence: synonymous variant.
Genome position (GRCh38, 1-based): chr11:1,226,739, C>T. VCF-style: chr11-1226739-C-T. GRCh37 (hg19) VCF-style: chr11-1247969-C-T.
Identifiers: ClinVar variation 163992 (VCV000163992.32), dbSNP rs56168747, ClinGen allele CA176749.